The following is an entry in ClinVar:

ClinVar aggregate classification (germline): Uncertain significance. Review status: criteria provided, single submitter (1 of 4 stars). 2 submissions from 2 submitters: Uncertain significance (1). 1 of the submissions does not count toward it. Last evaluated 2025-02-24.

Conditions:
Usher syndrome type 1F (USH1F). Also called: USHER SYNDROME, TYPE IF. Identifiers: Orphanet 231169, Orphanet 886, MedGen C1865885, MONDO:0011186, OMIM 602083.

Submissions (2):

Labcorp Genetics (formerly Invitae), Labcorp
Classification: Uncertain significance. Last evaluated: 2025-02-24. Review status: criteria provided, single submitter. Criteria: Invitae Variant Classification Sherloc (09022015). Collection method: clinical testing. Allele origin: germline.
Comment: This variant, c.4928_4945dup, results in the insertion of 6 amino acid(s) of the PCDH15 protein (p.Glu1643_Glu1648dup), but otherwise preserves the integrity of the reading frame. This variant is present in population databases (rs758259410, gnomAD 0.09%), including at least one homozygous and/or hemizygous individual. This variant has not been reported in the literature in individuals affected with PCDH15-related conditions. ClinVar contains an entry for this variant (Variation ID: 851208). Experimental studies and prediction algorithms are not available or were not evaluated, and the functional significance of this variant is currently unknown. In summary, the available evidence is currently insufficient to determine the role of this variant in disease. Therefore, it has been classified as a Variant of Uncertain Significance.

Natera, Inc.
Classification: Uncertain significance for Usher syndrome type 1F. Last evaluated: 2020-02-13. Review status: no assertion criteria provided. Collection method: clinical testing. Allele origin: germline. Not counted in ClinVar's aggregate classification.

NM_033056.4(PCDH15):c.4928_4945dup (p.Glu1648_Gly1649insGluThrLeuMetIleGlu)

Gene: PCDH15 (protocadherin related 15; minus strand). Cytogenetic location: 10q21.1.
Variant type: Duplication.
Coding change: c.4928_4945dup on transcript NM_033056.4 (MANE Plus Clinical); coding-DNA positions 4928 to 4945, 18 bases duplicated (AAACACTGATGATAGAAG).
Protein change: p.Glu1648_Gly1649insGluThrLeuMetIleGlu.
Molecular consequence: inframe insertion. On other transcripts: intron variant (8).
Genome position (GRCh38, 1-based): chr10:53,822,781-53,822,798, CTTCTATCATCAGTGTTT duplicated on the plus strand (AAACACTGATGATAGAAG on the coding strand, the reverse complement: PCDH15 is on the minus strand); duplicating any 18 consecutive bases within chr10:53,822,781-53,822,799 gives the same sequence; the c. name uses the placement nearest the transcript's 3' end. VCF-style (leftmost placement, unchanged base first): chr10-53822780-C-CCTTCTATCATCAGTGTTT. GRCh37 (hg19) VCF-style: chr10-55582540-C-CCTTCTATCATCAGTGTTT.
Other names: c.4373+2338_4373+2355dup (NM_001142770.3, NM_001142772.2); c.4388+4595_4388+4612dup (NM_001354411.2); c.4409+2338_4409+2355dup (NM_001142769.3); c.4949_4966dup, p.Glu1655_Gly1656insGluThrLeuMetIleGlu (NM_001142763.2); c.4934_4951dup, p.Glu1650_Gly1651insGluThrLeuMetIleGlu (NM_001142764.2); c.4721_4738dup, p.Glu1579_Gly1580insGluThrLeuMetIleGlu (NM_001142765.2); c.4919_4936dup, p.Glu1645_Gly1646insGluThrLeuMetIleGlu (NM_001142766.2); c.4808_4825dup, p.Glu1608_Gly1609insGluThrLeuMetIleGlu (NM_001142767.2); and 7 more.
Identifiers: ClinVar variation 851208 (VCV000851208.5), dbSNP rs758259410, ClinGen allele CA5505154.